The following is an entry in ClinVar:

ClinVar aggregate classification (germline): Likely pathogenic (1 of 4 stars; one submission).

Conditions:
Familial cancer of breast. Also called: Hereditary breast cancer; BREAST CANCER, FAMILIAL; hereditary breast carcinoma. Identifiers: Orphanet 227535, MedGen C0346153, MONDO:0016419, OMIM 114480. Disease mechanism: loss of function.

Submission:

Myriad Genetics, Inc.
Classification: Likely pathogenic for Familial cancer of breast. Last evaluated: 2024-11-20. Review status: criteria provided, single submitter. Criteria: Myriad Autosomal Dominant, Autosomal Recessive and X-Linked Classification Criteria (2023). Collection method: clinical testing. Allele origin: unknown.
Comment: This variant is considered likely pathogenic. This variant occurs within a consensus splice junction and is predicted to result in abnormal mRNA splicing of either an out-of-frame exon or an in-frame exon necessary for protein stability and/or normal function.

NM_032043.3(BRIP1):c.507+2T>C

Gene: BRIP1 (BRCA1 interacting DNA helicase 1; minus strand). Cytogenetic location: 17q23.2.
Variant type: single nucleotide variant.
Coding change: c.507+2T>C on transcript NM_032043.3 (MANE Select); the canonical splice donor site of the intron after coding-DNA position 507, T replaced by C.
Molecular consequence: splice donor variant.
Genome position (GRCh38, 1-based): chr17:61,849,127, A>G on the plus strand (T>C on the coding strand, the complement: BRIP1 is on the minus strand). VCF-style: chr17-61849127-A-G. GRCh37 (hg19) VCF-style: chr17-59926488-A-G.
Identifiers: ClinVar variation 3772734 (VCV003772734.1).
Genomic context (GRCh38, chr17:61,849,127, plus strand): 5'-ACTTGACTACCATGTTCAGCTGTAACTAACTGGGTTATTTACTGCCAATAAACTCTGTTT[A>G]CCTGCTGTGTAGTTTCTAAGGGTCGAATTCTTTTCTTCTCTACTTGAAAATCATCATTTT-3'